The following is an entry in ClinVar:

ClinVar aggregate classification (germline): Uncertain significance (1 of 4 stars; one submission).

Conditions:
Inborn genetic diseases. Identifiers: MedGen C0950123, MeSH D030342.

Submission:

Ambry Genetics
Classification: Uncertain significance for Inborn genetic diseases. Last evaluated: 2026-02-09. Review status: criteria provided, single submitter. Criteria: Ambry Variant Classification Scheme 2023. Collection method: clinical testing. Allele origin: germline.
Comment: The p.S135Y variant (also known as c.404C>A), located in coding exon 3 of the MBD4 gene, results from a C to A substitution at nucleotide position 404. The serine at codon 135 is replaced by tyrosine, an amino acid with dissimilar properties. This amino acid position is not well conserved in available vertebrate species. In addition, this alteration is predicted to be tolerated by in silico analysis. Based on the available evidence, the clinical significance of this variant remains unclear.

NM_001276270.2(MBD4):c.404C>A (p.Ser135Tyr)

Gene: MBD4 (methyl-CpG binding domain 4, DNA glycosylase; minus strand). Cytogenetic location: 3q21.3.
Variant type: single nucleotide variant.
Coding change: c.404C>A on transcript NM_001276270.2 (MANE Select); coding-DNA position 404, C replaced by A.
Protein change: p.Ser135Tyr; replaces serine 135 with tyrosine.
Molecular consequence: missense variant. On other transcripts: intron variant (1).
Genome position (GRCh38, 1-based): chr3:129,437,240, G>T on the plus strand (C>A on the coding strand, the complement: MBD4 is on the minus strand). VCF-style: chr3-129437240-G-T. GRCh37 (hg19) VCF-style: chr3-129156083-G-T.
Other names: c.404C>A, p.Ser135Tyr (NM_001276271.2, NM_001276272.2, NM_003925.3); c.247+568C>A (NM_001276273.2); short protein forms S135Y.
Identifiers: ClinVar variation 4825705 (VCV004825705.1).